The following is an entry in ClinVar:

NM_000128.4(F11):c.1301A>G (p.Tyr434Cys)

Gene: F11 (coagulation factor XI; plus strand). Cytogenetic location: 4q35.2.
Variant type: single nucleotide variant.
Coding change: c.1301A>G on transcript NM_000128.4 (MANE Select); coding-DNA position 1301, A replaced by G.
Protein change: p.Tyr434Cys; replaces tyrosine 434 with cysteine.
Molecular consequence: missense variant.
Genome position (GRCh38, 1-based): chr4:186,284,257, A>G. VCF-style: chr4-186284257-A-G. GRCh37 (hg19) VCF-style: chr4-187205411-A-G.
Other names: c.1253A>G, p.Tyr418Cys (NM_001440590.1, NM_001440596.1); c.1301A>G, p.Tyr434Cys (NM_001440593.1); c.1031A>G, p.Tyr344Cys (NM_001440605.1, NM_001440607.1); c.983A>G, p.Tyr328Cys (NM_001440606.1, NM_001440608.1); short protein forms Y328C, Y418C, Y344C, Y434C.
Identifiers: ClinVar variation 4981836 (VCV004981836.1).

ClinVar aggregate classification (germline): Uncertain significance (1 of 4 stars; one submission).

Conditions:
F11-related disorder. Also called: F11-related condition.

gnomAD v4.1: 3 of 1,613,242 alleles (0.00019%); highest among the groups gnomAD compares: Admixed American, 0.0017%; no homozygotes.

Submission:

PreventionGenetics, part of Exact Sciences
Classification: Uncertain significance for F11-related condition. Last evaluated: 2026-08-10. Review status: criteria provided, single submitter. Criteria: ACMG Guidelines, 2015. Collection method: clinical testing. Allele origin: germline.
Comment: The F11 c.1301A>G variant is predicted to result in the amino acid substitution p.Tyr434Cys. To our knowledge, this variant has not been reported in the literature. This variant is reported in 0.0029% of alleles in individuals of Latino descent in gnomAD. At this time, the clinical significance of this variant is uncertain due to the absence of conclusive functional and genetic evidence.